The following is an entry in ClinVar:

NM_000103.4(CYP19A1):c.699CTT[1] (p.Phe235del)

Genes: MIR4713HG (MIR4713 host gene; plus strand), CYP19A1 (cytochrome P450 family 19 subfamily A member 1; minus strand), PIRC66 (piwi-interacting RNA cluster 66; plus strand). Cytogenetic location: 15q21.2.
Variant type: Microsatellite.
Coding change: c.699CTT[1] on transcript NM_000103.4 (MANE Select); one copy of the 3-base unit CTT starting at c.699; the reference has two copies in a row; one copy, 3 bases deleted.
Protein change: p.Phe235del; deletes phenylalanine 235.
Molecular consequence: inframe deletion.
Genome position (GRCh38, 1-based): chr15:51,218,580-51,218,582, AAG deleted on the plus strand (CTT on the coding strand, the reverse complement: CYP19A1 is on the minus strand); deleting any 3 consecutive bases within chr15:51,218,580-51,218,586 gives the same sequence; the position shown is the placement nearest the transcript's 3' end. VCF-style (leftmost placement, unchanged base first): chr15-51218579-AAAG-A. GRCh37 (hg19) VCF-style: chr15-51510776-AAAG-A.
Other names: c.699CTT[1], p.Phe235del (NM_001347248.1, NM_001347249.2, NM_001347250.2 and 7 more transcripts); short protein forms F235del.
Identifiers: ClinVar variation 4816276 (VCV004816276.1).

ClinVar aggregate classification (germline): Likely pathogenic (1 of 4 stars; one submission).

Conditions:
Aromatase deficiency. Also called: PSEUDOHERMAPHRODITISM, FEMALE, DUE TO PLACENTAL AROMATASE DEFICIENCY; Increased aromatase activity. Identifiers: Orphanet 91, MedGen C1960539, MONDO:0013301, OMIM 613546.

Submission:

Natera, Inc.
Classification: Likely pathogenic for Aromatase deficiency. Last evaluated: 2025-10-14. Review status: criteria provided, single submitter. Criteria: Natera Variant Classification Schema (03/2026). Collection method: clinical testing. Allele origin: germline.
Comment: The c.702_704delCTT variant in CYP19A1 is an in-frame deletion predicted to remove phenylalanine at amino acid 235 while preserving the reading frame. This variant is rare in the general population with a frequency below the threshold expected for the associated phenotype(s). This variant has been observed in one or more individuals affected with the associated recessive disease, as either homozygous or compound heterozygous with a second variant (PMID: 17164303). Functional studies show that this variant may disrupt protein function (PMID: 17164303). This variant results in a change to the protein length while preserving reading frame, which may disrupt normal protein structure or function. Computational prediction algorithms indicate this variant is likely to affect gene or protein function. Given the available evidence, this variant is classified as Likely Pathogenic.

Literature cited by the submitters: PubMed 17164303.